The following is an entry in ClinVar:

ClinVar aggregate classification (germline): Uncertain significance (1 of 4 stars; one submission).

Conditions:
Inborn genetic diseases. Identifiers: MedGen C0950123, MeSH D030342.

gnomAD v4.1: 2 of 1,613,926 alleles (0.00012%); highest among the groups gnomAD compares: Non-Finnish European, 0.00017%; no homozygotes.

Submission:

Ambry Genetics
Classification: Uncertain significance for Inborn genetic diseases. Last evaluated: 2025-09-12. Review status: criteria provided, single submitter. Criteria: Ambry Variant Classification Scheme 2023. Collection method: clinical testing. Allele origin: germline.
Comment: The p.E661Q variant (also known as c.1981G>C), located in coding exon 1 of the SAMD9 gene, results from a G to C substitution at nucleotide position 1981. The glutamic acid at codon 661 is replaced by glutamine, an amino acid with highly similar properties. This amino acid position is conserved. In addition, this alteration is predicted to be tolerated by in silico analysis. Based on the available evidence, the clinical significance of this variant remains unclear.

NM_017654.4(SAMD9):c.1981G>C (p.Glu661Gln)

Gene: SAMD9 (sterile alpha motif domain containing 9; minus strand). Cytogenetic location: 7q21.2.
Variant type: single nucleotide variant.
Coding change: c.1981G>C on transcript NM_017654.4 (MANE Select); coding-DNA position 1981, G replaced by C.
Protein change: p.Glu661Gln; replaces glutamic acid 661 with glutamine.
Molecular consequence: missense variant.
Genome position (GRCh38, 1-based): chr7:93,104,117, C>G on the plus strand (G>C on the coding strand, the complement: SAMD9 is on the minus strand). VCF-style: chr7-93104117-C-G. GRCh37 (hg19) VCF-style: chr7-92733430-C-G.
Other names: c.1981G>C, p.Glu661Gln (NM_001193307.2); short protein forms E661Q.
Identifiers: ClinVar variation 4159225 (VCV004159225.1).
Genomic context (GRCh38, chr7:93,104,117, plus strand): 5'-CCTCTTTTGATGCCTTGAATTCAAGGAATTTATTTTTGTCCTTCTCTAACAGTGTACCCT[C>G]ACATTCATTTTCACAGATAATTTCCAGAGCAGTCATGATATCTTCTTCCTTTTTCAGAAG-3'
Protein context (NP_060124.2, residues 651-671): ALEIICENEC[Glu661Gln]GTLLEKDKNK